The following is an entry in ClinVar:

NM_016464.5(TMEM138):c.129-19C>G

Gene: TMEM138 (transmembrane protein 138; plus strand). Cytogenetic location: 11q12.2.
Variant type: single nucleotide variant.
Coding change: c.129-19C>G on transcript NM_016464.5 (MANE Select); 19 bases into the intron before coding-DNA position 129, C replaced by G.
Molecular consequence: intron variant.
Genome position (GRCh38, 1-based): chr11:61,366,026, C>G. VCF-style: chr11-61366026-C-G. GRCh37 (hg19) VCF-style: chr11-61133498-C-G.
Other names: c.-46-19C>G (NM_001330281.2).
Identifiers: ClinVar variation 1375997 (VCV001375997.7), dbSNP rs2135157682, ClinGen allele CA2573147288.

ClinVar aggregate classification (germline): Uncertain significance (1 of 4 stars; one submission).

Conditions:
Joubert syndrome 16 (JBTS16). Identifiers: Orphanet 2318, MedGen C3280906, MONDO:0013764, OMIM 614465.

Allele frequency attached by ClinVar (database versions not stated): gnomAD exomes below 0.00001.
gnomAD v4.1: 2 of 1,603,150 alleles (0.00012%); highest among the groups gnomAD compares: South Asian, 0.0011%; no homozygotes.

Submission:

Labcorp Genetics (formerly Invitae), Labcorp
Classification: Uncertain significance for Joubert syndrome 16. Last evaluated: 2025-07-28. Review status: criteria provided, single submitter. Criteria: Invitae Variant Classification Sherloc (09022015). Collection method: clinical testing. Allele origin: germline.
Comment: This sequence change falls in intron 2 of the TMEM138 gene. It does not directly change the encoded amino acid sequence of the TMEM138 protein. This variant is not present in population databases (gnomAD no frequency). This variant has not been reported in the literature in individuals affected with TMEM138-related conditions. ClinVar contains an entry for this variant (Variation ID: 1375997). Algorithms developed to predict the effect of sequence changes on RNA splicing suggest that this variant may disrupt the consensus splice site. In summary, the available evidence is currently insufficient to determine the role of this variant in disease. Therefore, it has been classified as a Variant of Uncertain Significance.